The following is an entry in ClinVar:

NM_001035.3(RYR2):c.3964C>G (p.Leu1322Val)

Genes: RYR2 (ryanodine receptor 2; plus strand), LOC126806067 (BRD4-independent group 4 enhancer GRCh37_chr1:237753258-237754457; plus strand). Cytogenetic location: 1q43.
Variant type: single nucleotide variant.
Coding change: c.3964C>G on transcript NM_001035.3 (MANE Select); coding-DNA position 3964, C replaced by G.
Protein change: p.Leu1322Val; replaces leucine 1322 with valine.
Molecular consequence: missense variant.
Genome position (GRCh38, 1-based): chr1:237,590,796, C>G. VCF-style: chr1-237590796-C-G. GRCh37 (hg19) VCF-style: chr1-237754096-C-G.
Other names: c.3964C>G (NM_001035.2); short protein forms L1322V.
Identifiers: ClinVar variation 1980217 (VCV001980217.5), dbSNP rs770433289, ClinGen allele CA345397450.
Genomic context (GRCh38, chr1:237,590,796, plus strand): 5'-TATCGCCTGAGCATGCCGATCGAGTGCGCGGAGGTCTTCTCCAAGACGGTGGCTGGAGGG[C>G]TCCCTGGGGCTGGCCTTTTTGGGCCCAAGAATGACTTGGAAGATTATGATGCTGATTCTG-3'
Protein context (NP_001026.2, residues 1312-1332): EVFSKTVAGG[Leu1322Val]PGAGLFGPKN

ClinVar aggregate classification (germline): Uncertain significance. Review status: criteria provided, multiple submitters, no conflicts (2 of 4 stars). 2 submissions from 2 submitters: Uncertain significance (2). Last evaluated 2025-05-28.

Conditions:
Cardiovascular phenotype. Identifiers: MedGen CN230736.
Catecholaminergic polymorphic ventricular tachycardia 1. Also called: RYR2-Related Catecholaminergic Polymorphic Ventricular Tachycardia; VENTRICULAR TACHYCARDIA, CATECHOLAMINERGIC POLYMORPHIC, 1, WITH OR WITHOUT ATRIAL DYSFUNCTION AND/OR DILATED CARDIOMYOPATHY; VENTRICULAR TACHYCARDIA, STRESS-INDUCED POLYMORPHIC 1. Identifiers: Orphanet 3286, MedGen C1631597, MONDO:0011484, OMIM 604772.

Submissions (2):

Ambry Genetics
Classification: Uncertain significance for Cardiovascular phenotype. Last evaluated: 2025-05-28. Review status: criteria provided, single submitter. Criteria: Ambry Variant Classification Scheme 2023. Collection method: clinical testing. Allele origin: germline.
Comment: The p.L1322V variant (also known as c.3964C>G), located in coding exon 31 of the RYR2 gene, results from a C to G substitution at nucleotide position 3964. The leucine at codon 1322 is replaced by valine, an amino acid with highly similar properties. This amino acid position is not well conserved in available vertebrate species. In addition, this alteration is predicted to be tolerated by in silico analysis. Based on the available evidence, the clinical significance of this variant remains unclear.

Labcorp Genetics (formerly Invitae), Labcorp
Classification: Uncertain significance for Catecholaminergic polymorphic ventricular tachycardia 1. Last evaluated: 2022-05-12. Review status: criteria provided, single submitter. Criteria: Invitae Variant Classification Sherloc (09022015). Collection method: clinical testing. Allele origin: germline.
Comment: In summary, the available evidence is currently insufficient to determine the role of this variant in disease. Therefore, it has been classified as a Variant of Uncertain Significance. Advanced modeling of protein sequence and biophysical properties (such as structural, functional, and spatial information, amino acid conservation, physicochemical variation, residue mobility, and thermodynamic stability) performed at Invitae indicates that this missense variant is not expected to disrupt RYR2 protein function. This variant has not been reported in the literature in individuals affected with RYR2-related conditions. This variant is present in population databases (no rsID available, gnomAD 0.003%). This sequence change replaces leucine, which is neutral and non-polar, with valine, which is neutral and non-polar, at codon 1322 of the RYR2 protein (p.Leu1322Val).